The following is an entry in ClinVar:

ClinVar aggregate classification (germline): Likely benign. Review status: criteria provided, multiple submitters, no conflicts (2 of 4 stars). 4 submissions from 4 submitters: Likely benign (3). 1 of the submissions does not count toward it. Last evaluated 2024-08-31.

Conditions:
Familial cancer of breast. Also called: BREAST CANCER, FAMILIAL; Hereditary breast cancer; hereditary breast carcinoma. Identifiers: Orphanet 227535, MedGen C0346153, MONDO:0016419, OMIM 114480. Disease mechanism: loss of function.
Pancreatic cancer, susceptibility to, 3. Identifiers: Orphanet 1333, MedGen C3150547, MONDO:0013236, OMIM 613348.
Fanconi anemia complementation group N. Also called: PALB2-Related Fanconi Anemia. Identifiers: Orphanet 84, MedGen C1835817, MONDO:0012565, OMIM 610832. Disease mechanism: loss of function.
Hereditary cancer-predisposing syndrome. Also called: Tumor predisposition; Hereditary Cancer Syndrome; Neoplastic Syndromes, Hereditary; Hereditary neoplastic syndrome. Identifiers: Orphanet 140162, MedGen C0027672, MeSH D009386, MONDO:0015356.

Allele frequency attached by ClinVar (database versions not stated): gnomAD exomes below 0.00001; TOPMed below 0.00001; ExAC 0.00001; gnomAD 0.00001.
gnomAD v4.1: 4 of 1,613,448 alleles (0.00025%); highest among the groups gnomAD compares: African/African-American, 0.0053%; no homozygotes.

Submissions (4):

Labcorp Genetics (formerly Invitae), Labcorp
Classification: Likely benign for Familial cancer of breast. Last evaluated: 2024-08-31. Review status: criteria provided, single submitter. Criteria: Invitae Variant Classification Sherloc (09022015). Collection method: clinical testing. Allele origin: germline.

Fulgent Genetics
Classification: Likely benign for Familial cancer of breast; Fanconi anemia complementation group N; Pancreatic cancer, susceptibility to, 3. Last evaluated: 2021-12-13. Review status: criteria provided, single submitter. Criteria: ACMG Guidelines, 2015. Collection method: clinical testing. Allele origin: unknown.

Color Diagnostics, LLC DBA Color Health
Classification: Likely benign for Hereditary cancer-predisposing syndrome. Last evaluated: 2017-10-27. Review status: criteria provided, single submitter. Criteria: ACMG Guidelines, 2015. Collection method: clinical testing. Allele origin: germline.

Leiden Open Variation Database
Classification: Likely benign for Familial cancer of breast. Last evaluated: 2019-05-13. Review status: no assertion criteria provided. Collection method: curation. Allele origin: germline. Affected: yes. Not counted in ClinVar's aggregate classification.
Comment: Curators: Marc Tischkowitz, Arleen D. Auerbach. Submitter to LOVD: Marc Tischkowitz.

Literature cited by the submitters: PubMed 21932393 (cited by Leiden Open Variation Database).

NM_024675.4(PALB2):c.3350+16T>G

Gene: PALB2 (partner and localizer of BRCA2; minus strand). Cytogenetic location: 16p12.2.
Variant type: single nucleotide variant.
Coding change: c.3350+16T>G on transcript NM_024675.4 (MANE Select); 16 bases into the intron after coding-DNA position 3350, T replaced by G.
Molecular consequence: intron variant.
Genome position (GRCh38, 1-based): chr16:23,607,848, A>C on the plus strand (T>G on the coding strand, the complement: PALB2 is on the minus strand). VCF-style: chr16-23607848-A-C. GRCh37 (hg19) VCF-style: chr16-23619169-A-C.
Identifiers: ClinVar variation 126736 (VCV000126736.14), dbSNP rs515726115, ClinGen allele CA269617.